The following is an entry in ClinVar:

NM_003873.7(NRP1):c.1654C>T (p.Arg552Trp)

Gene: NRP1 (neuropilin 1; minus strand). Cytogenetic location: 10p11.22.
Variant type: single nucleotide variant.
Coding change: c.1654C>T on transcript NM_003873.7 (MANE Select); coding-DNA position 1654, C replaced by T.
Protein change: p.Arg552Trp; replaces arginine 552 with tryptophan.
Molecular consequence: missense variant. On other transcripts: non-coding transcript variant (1).
Genome position (GRCh38, 1-based): chr10:33,207,677, G>A on the plus strand (C>T on the coding strand, the complement: NRP1 is on the minus strand). VCF-style: chr10-33207677-G-A. GRCh37 (hg19) VCF-style: chr10-33496605-G-A.
Other names: c.1654C>T, p.Arg552Trp (NM_001024628.3, NM_001024629.3, NM_001244972.2 and 2 more transcripts); short protein forms R552W.
Identifiers: ClinVar variation 2396241 (VCV002396241.5), dbSNP rs779745790, ClinGen allele CA5466547.

ClinVar aggregate classification (germline): Uncertain significance. Review status: criteria provided, single submitter (1 of 4 stars). 2 submissions from 2 submitters: Uncertain significance (1). 1 of the submissions does not count toward it. Last evaluated 2024-06-03.

Conditions:
NRP1-related disorder. Also called: NRP1-related condition.

Allele frequency attached by ClinVar (database versions not stated): gnomAD exomes 0.00001; gnomAD 0.00002; TOPMed 0.00004; ExAC 0.00005.
gnomAD v4.1: 20 of 1,613,884 alleles (0.0012%); highest among the groups gnomAD compares: East Asian, 0.0089%; no homozygotes.

Submissions (2):

Ambry Genetics
Classification: Uncertain significance. Last evaluated: 2024-06-03. Review status: criteria provided, single submitter. Criteria: Ambry Variant Classification Scheme 2023. Collection method: clinical testing. Allele origin: germline.

PreventionGenetics, part of Exact Sciences
Classification: Uncertain significance for NRP1-related condition. Last evaluated: 2024-04-05. Review status: no assertion criteria provided. Collection method: clinical testing. Allele origin: germline. Not counted in ClinVar's aggregate classification.
Comment: The NRP1 c.1654C>T variant is predicted to result in the amino acid substitution p.Arg552Trp. To our knowledge, this variant has not been reported in the literature. This variant is reported in 0.027% of alleles in individuals of East Asian descent in gnomAD. At this time, the clinical significance of this variant is uncertain due to the absence of conclusive functional and genetic evidence.